The following is an entry in ClinVar:

NM_203475.3(PORCN):c.1238T>G (p.Leu413Arg)

Gene: PORCN (porcupine O-acyltransferase; plus strand). Cytogenetic location: Xp11.23.
Variant type: single nucleotide variant.
Coding change: c.1238T>G on transcript NM_203475.3 (MANE Select); coding-DNA position 1238, T replaced by G.
Protein change: p.Leu413Arg; replaces leucine 413 with arginine.
Molecular consequence: missense variant. On other transcripts: non-coding transcript variant (2).
Genome position (GRCh38, 1-based): chrX:48,517,247, T>G. VCF-style: chrX-48517247-T-G. GRCh37 (hg19) VCF-style: chrX-48375635-T-G.
Other names: c.992T>G, p.Leu331Arg (NM_001282167.2); c.1562T>G, p.Leu521Arg (NM_001441333.1); c.1544T>G, p.Leu515Arg (NM_001441334.1); c.1310T>G, p.Leu437Arg (NM_001441335.1); c.1397T>G, p.Leu466Arg (NM_001441336.1); c.1205T>G, p.Leu402Arg (NM_022825.4); c.1223T>G, p.Leu408Arg (NM_203473.3); c.1220T>G, p.Leu407Arg (NM_203474.1); short protein forms L331R, L402R, L407R, L408R, L413R, L437R, L466R, L515R.
Identifiers: ClinVar variation 4795182 (VCV004795182.1).

ClinVar aggregate classification (germline): Uncertain significance (1 of 4 stars; one submission).

Conditions:
Focal dermal hypoplasia (FDH). Also called: Goltz syndrome. Identifiers: Orphanet 2092, MedGen C0016395, MONDO:0010592, OMIM 305600.

Submission:

Laboratorio de Biologia Molecular/Medicina Genomica - IFF/Fiocruz, Instituto Fernandes Figueira, Fundacao Oswaldo Cruz
Classification: Uncertain significance for Focal dermal hypoplasia. Last evaluated: 2025-09-02. Review status: criteria provided, single submitter. Criteria: ACMG Guidelines, 2015. Collection method: clinical testing. Allele origin: germline. Affected: yes. Observed: 1 variant allele.
Comment: Variant: c.1238T>G (p.Leu413Arg) in exon 14 of the PORCN gene. Protein effect: Missense substitution at a highly conserved residue. In silico tools: Predict a deleterious impact. Population database (gnomAD): Absent. ACMG/AMP criteria applied: PM2_Supporting, PP3, PP4